The following is an entry in ClinVar:

NM_001376.5(DYNC1H1):c.3479C>T (p.Thr1160Met)

Gene: DYNC1H1 (dynein cytoplasmic 1 heavy chain 1; plus strand). Cytogenetic location: 14q32.31.
Variant type: single nucleotide variant.
Coding change: c.3479C>T on transcript NM_001376.5 (MANE Select); coding-DNA position 3479, C replaced by T.
Protein change: p.Thr1160Met; replaces threonine 1160 with methionine.
Molecular consequence: missense variant.
Genome position (GRCh38, 1-based): chr14:101,995,215, C>T. VCF-style: chr14-101995215-C-T. GRCh37 (hg19) VCF-style: chr14-102461552-C-T.
Other names: c.3479C>T (NM_001376.4); short protein forms T1160M.
Identifiers: ClinVar variation 1423134 (VCV001423134.8), dbSNP rs200290958, ClinGen allele CA266987662.

ClinVar aggregate classification (germline): Uncertain significance. Review status: criteria provided, multiple submitters, no conflicts (2 of 4 stars). 3 submissions from 3 submitters: Uncertain significance (2). 1 of the submissions does not count toward it. Last evaluated 2026-01-19.

Conditions:
DYNC1H1-related disorder. Also called: DYNC1H1-related condition; DYNC1H1-related disorders. Identifiers: MedGen CN381529.
Charcot-Marie-Tooth disease axonal type 2O. Also called: Charcot-Marie-Tooth Neuropathy Type 2O; Charcot-Marie-Tooth disease, axonal, type 20; CHARCOT-MARIE-TOOTH NEUROPATHY, AXONAL, TYPE 2O; CHARCOT-MARIE-TOOTH DISEASE, AXONAL, AUTOSOMAL DOMINANT, TYPE 2O. Identifiers: Orphanet 284232, MedGen C3280220, MONDO:0013644, OMIM 614228.

Allele frequency attached by ClinVar (database versions not stated): gnomAD exomes below 0.00001 and 0.00001.
gnomAD v4.1: 17 of 1,614,228 alleles (0.0011%); highest among the groups gnomAD compares: Non-Finnish European, 0.0014%; no homozygotes.

Submissions (3):

Labcorp Genetics (formerly Invitae), Labcorp
Classification: Uncertain significance for Charcot-Marie-Tooth disease axonal type 2O. Last evaluated: 2026-01-19. Review status: criteria provided, single submitter. Criteria: Invitae Variant Classification Sherloc (09022015). Collection method: clinical testing. Allele origin: germline.
Comment: This sequence change replaces threonine, which is neutral and polar, with methionine, which is neutral and non-polar, at codon 1160 of the DYNC1H1 protein (p.Thr1160Met). This variant is present in population databases (rs200290958, gnomAD 0.0009%). This variant has not been reported in the literature in individuals affected with DYNC1H1-related conditions. ClinVar contains an entry for this variant (Variation ID: 1423134). Invitae Evidence Modeling of protein sequence and biophysical properties (such as structural, functional, and spatial information, amino acid conservation, physicochemical variation, residue mobility, and thermodynamic stability) has been performed for this missense variant. However, the output from this modeling did not meet the statistical confidence thresholds required to predict the impact of this variant on DYNC1H1 protein function. In summary, the available evidence is currently insufficient to determine the role of this variant in disease. Therefore, it has been classified as a Variant of Uncertain Significance.

GeneDx
Classification: Uncertain significance. Last evaluated: 2024-09-04. Review status: criteria provided, single submitter. Criteria: GeneDx Variant Classification Process June 2021. Collection method: clinical testing. Allele origin: germline. Affected: yes.
Comment: In silico analysis supports that this missense variant has a deleterious effect on protein structure/function; Has not been previously published as pathogenic or benign to our knowledge; This variant is associated with the following publications: (PMID: 25512093, 25609763, 26100331)

PreventionGenetics, part of Exact Sciences
Classification: Uncertain significance for DYNC1H1-related condition. Last evaluated: 2024-05-05. Review status: no assertion criteria provided. Collection method: clinical testing. Allele origin: germline. Not counted in ClinVar's aggregate classification.
Comment: The DYNC1H1 c.3479C>T variant is predicted to result in the amino acid substitution p.Thr1160Met. To our knowledge, this variant has not been reported in the literature. This variant is reported in 0.00088% of alleles in individuals of European (Non-Finnish) descent in gnomAD. At this time, the clinical significance of this variant is uncertain due to the absence of conclusive functional and genetic evidence.